The following is an entry in ClinVar:

ClinVar aggregate classification (germline): Benign (1 of 4 stars; one submission).

Conditions:
Sessile serrated polyposis cancer syndrome (SSPCS). Identifiers: Orphanet 157798, MedGen C4310714, MONDO:0014919, OMIM 617108.

Submission:

Myriad Genetics, Inc.
Classification: Benign for Sessile serrated polyposis cancer syndrome. Last evaluated: 2026-06-30. Review status: criteria provided, single submitter. Criteria: Myriad Autosomal Dominant, Autosomal Recessive and X-Linked Classification Criteria (2023). Collection method: clinical testing. Allele origin: unknown.
Comment: This variant is considered benign. This variant is a silent/synonymous amino acid change and it is not expected to impact splicing.

NM_017763.6(RNF43):c.705A>G (p.Arg235=)

Gene: RNF43 (ring finger protein 43; minus strand). Cytogenetic location: 17q22.
Variant type: single nucleotide variant.
Coding change: c.705A>G on transcript NM_017763.6 (MANE Select); coding-DNA position 705, A replaced by G.
Protein change: p.Arg235=; no amino-acid change (arginine 235 retained).
Molecular consequence: synonymous variant.
Genome position (GRCh38, 1-based): chr17:58,360,927, T>C on the plus strand (A>G on the coding strand, the complement: RNF43 is on the minus strand). VCF-style: chr17-58360927-T-C. GRCh37 (hg19) VCF-style: chr17-56438288-T-C.
Other names: c.705A>G, p.Arg235= (NM_001305544.3, NM_001438820.1, NM_001438821.1 and 1 more transcripts); c.324A>G, p.Arg108= (NM_001305545.2, NM_001437987.1).
Identifiers: ClinVar variation 4875673 (VCV004875673.1).